The following is an entry in ClinVar:

ClinVar aggregate classification (germline): Uncertain significance (1 of 4 stars; one submission).

Allele frequency attached by ClinVar (database versions not stated): gnomAD exomes below 0.00001; TOPMed 0.00001.
gnomAD v4.1: 6 of 1,606,164 alleles (0.00037%); highest among the groups gnomAD compares: Non-Finnish European, 0.00034%; no homozygotes.

Submission:

Labcorp Genetics (formerly Invitae), Labcorp
Classification: Uncertain significance. Last evaluated: 2024-11-11. Review status: criteria provided, single submitter. Criteria: Invitae Variant Classification Sherloc (09022015). Collection method: clinical testing. Allele origin: germline.
Comment: This sequence change replaces proline, which is neutral and non-polar, with alanine, which is neutral and non-polar, at codon 310 of the SPEG protein (p.Pro310Ala). This variant is present in population databases (no rsID available, gnomAD 0.001%). This variant has not been reported in the literature in individuals affected with SPEG-related conditions. ClinVar contains an entry for this variant (Variation ID: 1348227). An algorithm developed to predict the effect of missense changes on protein structure and function (PolyPhen-2) suggests that this variant is likely to be tolerated. In summary, the available evidence is currently insufficient to determine the role of this variant in disease. Therefore, it has been classified as a Variant of Uncertain Significance.

NM_005876.5(SPEG):c.928C>G (p.Pro310Ala)

Gene: SPEG (striated muscle enriched protein kinase; plus strand). Cytogenetic location: 2q35.
Variant type: single nucleotide variant.
Coding change: c.928C>G on transcript NM_005876.5 (MANE Select); coding-DNA position 928, C replaced by G.
Protein change: p.Pro310Ala; replaces proline 310 with alanine.
Molecular consequence: missense variant.
Genome position (GRCh38, 1-based): chr2:219,448,086, C>G. VCF-style: chr2-219448086-C-G. GRCh37 (hg19) VCF-style: chr2-220312808-C-G.
Other names: short protein forms P310A.
Identifiers: ClinVar variation 1348227 (VCV001348227.6), dbSNP rs995721091, ClinGen allele CA66003991.